The following is an entry in ClinVar:

ClinVar aggregate classification (germline): Uncertain significance. Review status: criteria provided, multiple submitters, no conflicts (2 of 4 stars). 8 submissions from 5 submitters: Uncertain significance (8). Last evaluated 2025-04-06.

Conditions:
Multiple endocrine neoplasia. Identifiers: Orphanet 276161, MedGen C0027662, MONDO:0017169.
Hirschsprung disease, susceptibility to, 1 (HSCR1). Also called: RET-Related Hirschsprung Disease. Identifiers: Orphanet 388, MedGen C3888239, MONDO:0007723, OMIM 142623.
Pheochromocytoma. Also called: MAX-Related Hereditary Paraganglioma-Pheochromocytoma Syndrome. Identifiers: Orphanet 29072, MedGen C0031511, MONDO:0008233, OMIM 171300, HP:0002666.
Renal hypodysplasia/aplasia 1 (RHDA1). Also called: HEREDITARY RENAL APLASIA; RENAL APLASIA. Identifiers: Orphanet 411709, MedGen C1619700, MONDO:0024519, OMIM 191830.
Hereditary cancer-predisposing syndrome. Also called: Neoplastic Syndromes, Hereditary; Tumor predisposition; Hereditary Cancer Syndrome; Hereditary neoplastic syndrome. Identifiers: Orphanet 140162, MedGen C0027672, MeSH D009386, MONDO:0015356.
Multiple endocrine neoplasia, type 2 (MEN2). Identifiers: Orphanet 653, MedGen C4048306, MONDO:0019003. Disease mechanism: gain of function.

Allele frequency attached by ClinVar (database versions not stated): gnomAD exomes 0.00001.

Submissions (8):

Labcorp Genetics (formerly Invitae), Labcorp
Classification: Uncertain significance for Multiple endocrine neoplasia, type 2. Last evaluated: 2025-04-06. Review status: criteria provided, single submitter. Criteria: Invitae Variant Classification Sherloc (09022015). Collection method: clinical testing. Allele origin: germline.
Comment: This sequence change replaces leucine, which is neutral and non-polar, with proline, which is neutral and non-polar, at codon 534 of the RET protein (p.Leu534Pro). The frequency data for this variant in the population databases is considered unreliable, as metrics indicate poor data quality at this position in the gnomAD database. This variant has not been reported in the literature in individuals affected with RET-related conditions. ClinVar contains an entry for this variant (Variation ID: 877094). An algorithm developed to predict the effect of missense changes on protein structure and function (PolyPhen-2) suggests that this variant is likely to be disruptive. In summary, the available evidence is currently insufficient to determine the role of this variant in disease. Therefore, it has been classified as a Variant of Uncertain Significance.

Ambry Genetics
Classification: Uncertain significance for Hereditary cancer-predisposing syndrome. Last evaluated: 2024-09-12. Review status: criteria provided, single submitter. Criteria: Ambry Variant Classification Scheme 2023. Collection method: clinical testing. Allele origin: germline.
Comment: The p.L534P variant (also known as c.1601T>C), located in coding exon 8 of the RET gene, results from a T to C substitution at nucleotide position 1601. The leucine at codon 534 is replaced by proline, an amino acid with similar properties. This amino acid position is highly conserved in available vertebrate species. In addition, this alteration is predicted to be deleterious by in silico analysis. Since supporting evidence is limited at this time, the clinical significance of this alteration remains unclear.

Baylor Genetics
Classification: Uncertain significance for Hirschsprung disease, susceptibility to, 1. Last evaluated: 2024-02-10. Review status: criteria provided, single submitter. Criteria: ACMG Guidelines, 2015. Collection method: clinical testing. Allele origin: unknown.

All of Us Research Program, National Institutes of Health
Classification: Uncertain significance for Multiple endocrine neoplasia, type 2. Last evaluated: 2023-03-04. Review status: criteria provided, single submitter. Criteria: ACMG Guidelines, 2015. Collection method: clinical testing. Allele origin: germline. Inheritance: Autosomal dominant inheritance. Observed: 1 variant allele, 1 heterozygote.
Comment: This study involves interpretation of variants in research participants for the purpose of population health screening. Participant phenotype was not available at the time of variant classification. Additional details can be found in publication PMID: 35346344, PMCID: PMC8962531

Illumina Laboratory Services, Illumina
Classification: Uncertain significance for Renal hypodysplasia/aplasia 1. Last evaluated: 2017-04-27. Review status: criteria provided, single submitter. Criteria: ICSL Variant Classification Criteria 13 December 2019. Collection method: clinical testing. Allele origin: germline.

Illumina Laboratory Services, Illumina
Classification: Uncertain significance for Multiple endocrine neoplasia. Last evaluated: 2017-04-27. Review status: criteria provided, single submitter. Criteria: ICSL Variant Classification Criteria 13 December 2019. Collection method: clinical testing. Allele origin: germline.

Illumina Laboratory Services, Illumina
Classification: Uncertain significance for Hirschsprung disease, susceptibility to, 1. Last evaluated: 2017-04-27. Review status: criteria provided, single submitter. Criteria: ICSL Variant Classification Criteria 13 December 2019. Collection method: clinical testing. Allele origin: germline.

Illumina Laboratory Services, Illumina
Classification: Uncertain significance for Pheochromocytoma. Last evaluated: 2017-04-27. Review status: criteria provided, single submitter. Criteria: ICSL Variant Classification Criteria 13 December 2019. Collection method: clinical testing. Allele origin: germline.

NM_020975.6(RET):c.1601T>C (p.Leu534Pro)

Gene: RET (ret proto-oncogene; plus strand). Cytogenetic location: 10q11.21.
Variant type: single nucleotide variant.
Coding change: c.1601T>C on transcript NM_020975.6 (MANE Select); coding-DNA position 1601, T replaced by C.
Protein change: p.Leu534Pro; replaces leucine 534 with proline.
Molecular consequence: missense variant.
Genome position (GRCh38, 1-based): chr10:43,112,177, T>C. VCF-style: chr10-43112177-T-C. GRCh37 (hg19) VCF-style: chr10-43607625-T-C.
Other names: c.1601T>C, p.Leu534Pro (NM_000323.2, NM_001406743.1, NM_001406744.1 and 6 more transcripts); c.839T>C, p.Leu280Pro (NM_001355216.2); c.1472T>C, p.Leu491Pro (NM_001406761.1, NM_001406762.1, NM_001406764.1 and 1 more transcripts); c.1313T>C, p.Leu438Pro (NM_001406766.1, NM_001406767.1, NM_001406770.1); c.1205T>C, p.Leu402Pro (NM_001406769.1, NM_001406772.1); c.1163T>C, p.Leu388Pro (NM_001406771.1, NM_001406773.1); c.1076T>C, p.Leu359Pro (NM_001406774.1); c.875T>C, p.Leu292Pro (NM_001406775.1, NM_001406776.1, NM_001406777.1 and 1 more transcripts); and 5 more; short protein forms L534P, L280P, L359P, L402P, L491P, L192P, L235P, L438P.
Identifiers: ClinVar variation 877094 (VCV000877094.14), dbSNP rs1206429429, ClinGen allele CA376550641.